The following is an entry in ClinVar:

NM_004463.3(FGD1):c.2846C>T (p.Ala949Val)

Genes: TSR2 (TSR2 ribosome maturation factor; plus strand), FGD1 (FYVE, RhoGEF and PH domain containing 1; minus strand). Cytogenetic location: Xp11.22.
Variant type: single nucleotide variant.
Coding change: c.2846C>T on transcript NM_004463.3 (MANE Select); coding-DNA position 2846, C replaced by T.
Protein change: p.Ala949Val; replaces alanine 949 with valine.
Molecular consequence: missense variant. On other transcripts: 3 prime UTR variant (5).
Genome position (GRCh38, 1-based): chrX:54,446,149, G>A on the plus strand (C>T on the coding strand, the complement: FGD1 is on the minus strand). VCF-style: chrX-54446149-G-A. GRCh37 (hg19) VCF-style: chrX-54472582-G-A.
Other names: c.*1599G>A (NM_001346789.2, NM_001346790.2, NM_001346791.2 and 2 more transcripts); short protein forms A949V.
Identifiers: ClinVar variation 2504799 (VCV002504799.2), dbSNP rs2522683575, ClinGen allele CA413357760.

ClinVar aggregate classification (germline): Uncertain significance (1 of 4 stars; one submission).

Submission:

GeneDx
Classification: Uncertain significance. Last evaluated: 2024-10-14. Review status: criteria provided, single submitter. Criteria: GeneDx Variant Classification Process June 2021. Collection method: clinical testing. Allele origin: germline.
Comment: Not observed at significant frequency in large population cohorts (gnomAD); In silico analysis indicates that this missense variant does not alter protein structure/function; Has not been previously published as pathogenic or benign to our knowledge